The following is an entry in ClinVar:

NM_004369.4(COL6A3):c.4950C>G (p.Phe1650Leu)

Gene: COL6A3 (collagen type VI alpha 3 chain; minus strand). Cytogenetic location: 2q37.3.
Variant type: single nucleotide variant.
Coding change: c.4950C>G on transcript NM_004369.4 (MANE Select); coding-DNA position 4950, C replaced by G.
Protein change: p.Phe1650Leu; replaces phenylalanine 1650 with leucine.
Molecular consequence: missense variant.
Genome position (GRCh38, 1-based): chr2:237,367,237, G>C on the plus strand (C>G on the coding strand, the complement: COL6A3 is on the minus strand). VCF-style: chr2-237367237-G-C. GRCh37 (hg19) VCF-style: chr2-238275880-G-C.
Other names: c.3129C>G, p.Phe1043Leu (NM_057166.5); c.4332C>G, p.Phe1444Leu (NM_057167.4); short protein forms F1043L, F1444L, F1650L.
Identifiers: ClinVar variation 639769 (VCV000639769.11), dbSNP rs1574991145, ClinGen allele CA351190029.

ClinVar aggregate classification (germline): Uncertain significance (1 of 4 stars; one submission).

Conditions:
Bethlem myopathy 1A. Also called: Bethlem Muscular Dystrophy; Bethlem myopathy 1; MYOPATHY, BENIGN CONGENITAL, WITH CONTRACTURES. Identifiers: Orphanet 610, MedGen CN029274, MONDO:0024530, OMIM 158810.

gnomAD v4.1: 1 of 1,613,912 alleles (0.000062%); highest among the groups gnomAD compares: South Asian, 0.0011%; no homozygotes.

Submission:

Labcorp Genetics (formerly Invitae), Labcorp
Classification: Uncertain significance for Bethlem myopathy 1A. Last evaluated: 2022-03-23. Review status: criteria provided, single submitter. Criteria: Invitae Variant Classification Sherloc (09022015). Collection method: clinical testing. Allele origin: germline.
Comment: ClinVar contains an entry for this variant (Variation ID: 639769). This variant is not present in population databases (gnomAD no frequency). This variant has not been reported in the literature in individuals affected with COL6A3-related conditions. This sequence change replaces phenylalanine, which is neutral and non-polar, with leucine, which is neutral and non-polar, at codon 1650 of the COL6A3 protein (p.Phe1650Leu). Advanced modeling of protein sequence and biophysical properties (such as structural, functional, and spatial information, amino acid conservation, physicochemical variation, residue mobility, and thermodynamic stability) performed at Invitae indicates that this missense variant is not expected to disrupt COL6A3 protein function. In summary, the available evidence is currently insufficient to determine the role of this variant in disease. Therefore, it has been classified as a Variant of Uncertain Significance.